The following is an entry in ClinVar:

NM_001267550.2(TTN):c.30485C>T (p.Thr10162Met)

Gene: TTN (titin; minus strand). Cytogenetic location: 2q31.2.
Variant type: single nucleotide variant.
Coding change: c.30485C>T on transcript NM_001267550.2 (MANE Select); coding-DNA position 30485, C replaced by T.
Protein change: p.Thr10162Met; replaces threonine 10162 with methionine.
Molecular consequence: missense variant. On other transcripts: intron variant (3).
Genome position (GRCh38, 1-based): chr2:178,702,194, G>A on the plus strand (C>T on the coding strand, the complement: TTN is on the minus strand). VCF-style: chr2-178702194-G-A. GRCh37 (hg19) VCF-style: chr2-179566921-G-A.
Other names: p.T9845M:ACG>ATG; c.29534C>T, p.Thr9845Met (NM_001256850.1); c.26753C>T, p.Thr8918Met (NM_133378.4); c.13282+35888C>T (NM_003319.4); c.13858+35888C>T (NM_133437.4); c.13657+35888C>T (NM_133432.3); short protein forms T10162M, T8918M, T9845M.
Identifiers: ClinVar variation 46837 (VCV000046837.70), dbSNP rs200593368, ClinGen allele CA139313.

ClinVar aggregate classification (germline): Conflicting classifications of pathogenicity. Review status: criteria provided, conflicting classifications (1 of 4 stars). 20 submissions from 16 submitters: Uncertain significance (9); Benign (3); Likely benign (5). 3 of the submissions do not count toward it. Last evaluated 2025-07-31.

Conditions:
TTN-related disorder. Also called: TTN-related condition; TTN-related disease; TTN-related disorders.
Cardiovascular phenotype. Identifiers: MedGen CN230736.
Dilated cardiomyopathy 1G (CMD1G). Identifiers: Orphanet 154, MedGen C1858763, MONDO:0011400, OMIM 604145.
Autosomal recessive limb-girdle muscular dystrophy type 2J (LGMDR10). Also called: Limb-girdle muscular dystrophy, type 2J; MUSCULAR DYSTROPHY, LIMB-GIRDLE, AUTOSOMAL RECESSIVE 10. Identifiers: Orphanet 140922, MedGen C1837342, MONDO:0012127, OMIM 608807.
Cardiomyopathy (CMYO). Also called: Cardiomyopathies. Identifiers: Orphanet 167848, MedGen C0878544, MONDO:0004994, HP:0001638. Inheritance: Various modes of inheritance.
Early-onset myopathy with fatal cardiomyopathy (CMYO5). Also called: Salih Myopathy; CONGENITAL MYOPATHY 5 WITH CARDIOMYOPATHY. Identifiers: Orphanet 289377, MedGen C2673677, MONDO:0012714, OMIM 611705. Disease mechanism: loss of function.
Myopathy, myofibrillar, 9, with early respiratory failure (MFM9). Also called: Hereditary myopathy with early respiratory failure; Myopathy, distal, with early respiratory failure, autosomal dominant; EDSTROM MYOPATHY; MYOPATHY, PROXIMAL, WITH EARLY RESPIRATORY MUSCLE INVOLVEMENT. Identifiers: Orphanet 178464, Orphanet 34521, MedGen C1863599, MONDO:0011362, OMIM 603689.
Tibial muscular dystrophy (TMD). Also called: Udd Distal Myopathy – Tibial Muscular Dystrophy; Tibial muscular dystrophy, tardive; UDD MYOPATHY. Identifiers: Orphanet 609, MedGen C1838244, MONDO:0010870, OMIM 600334.

Allele frequency attached by ClinVar (database versions not stated): 1000 Genomes Project 0.00020; gnomAD 0.00029; 1000 Genomes Project 30x 0.00031; TOPMed 0.00034; gnomAD exomes 0.00042; ExAC 0.00045; ESP Exome Variant Server 0.00106.
gnomAD v4.1: 917 of 1,613,928 alleles (0.057%); highest among the groups gnomAD compares: Non-Finnish European, 0.074%; 2 homozygotes.

Submissions (20):

Revvity Omics, Revvity
Classification: Uncertain significance. Last evaluated: 2025-07-31. Review status: criteria provided, single submitter. Criteria: ACMG Guidelines, 2015. Collection method: clinical testing. Allele origin: germline.

PreventionGenetics, part of Exact Sciences
Classification: Likely benign for TTN-related condition. Last evaluated: 2025-06-10. Review status: criteria provided, single submitter. Criteria: ACMG Guidelines, 2015. Collection method: clinical testing. Allele origin: germline.
Comment: This variant is classified as likely benign based on ACMG/AMP sequence variant interpretation guidelines (Richards et al. 2015 PMID: 25741868, with internal and published modifications).

Molecular Diagnostic Laboratory for Inherited Cardiovascular Disease, Montreal Heart Institute
Classification: Likely benign. Last evaluated: 2025-04-09. Review status: criteria provided, single submitter. Criteria: ACMG Guidelines, 2015. Collection method: clinical testing. Allele origin: germline. Affected: no.

Blueprint Genetics
Classification: Likely benign. Last evaluated: 2024-09-24. Review status: criteria provided, single submitter. Criteria: ACMG Guidelines, 2015. Collection method: clinical testing. Allele origin: germline.

Women's Health and Genetics/Laboratory Corporation of America, LabCorp
Classification: Likely benign. Last evaluated: 2023-05-03. Review status: criteria provided, single submitter. Criteria: LabCorp Variant Classification Summary - May 2015. Collection method: clinical testing. Allele origin: germline.
Comment: Variant summary: TTN c.26753C>T (p.Thr8918Met) results in a non-conservative amino acid change located in the I-band region of the encoded protein sequence. Two of three in-silico tools predict a damaging effect of the variant on protein function. The variant allele was found at a frequency of 0.00042 in 249288 control chromosomes, predominantly at a frequency of 0.00082 within the Non-Finnish European subpopulation in the gnomAD database. The observed variant frequency within Non-Finnish European control individuals in the gnomAD database is approximately 2-fold of the estimated maximal expected allele frequency for a pathogenic variant in TTN causing Dilated Cardiomyopathy phenotype (0.00039), suggesting that the variant is a benign polymorphism found primarily in populations of Non-Finnish European origin. c.26753C>T has been reported in the literature, primarily as a VUS, in settings of multigene panel testing in at least two individuals affected with Dilated Cardiomyopathy, one of whom also had a truncating TTN variant (rs794729258), and in individuals with other cardiomyopathies, all without evidence for causality (e.g. Hertz_2016, Campuzano_2015, Minoche_2019, Fomin_2021). These reports do not provide unequivocal conclusions about association of the variant with Dilated Cardiomyopathy. To our knowledge, no experimental evidence demonstrating an impact on protein function has been reported. The following publications have been ascertained in the context of this evaluation (PMID: 26516846, 34731013, 26383259, 35207729, 29961767). Nine submitters have provided clinical-significance assessments for this variant to ClinVar after 2014 without evidence for independent evaluation and classified the variant either as benign (n=2)/likely benign (n=1), or VUS (n=6). Based on the evidence outlined above, the variant was classified as likely benign.

CHEO Genetics Diagnostic Laboratory, Children's Hospital of Eastern Ontario
Classification: Benign for Cardiomyopathy. Last evaluated: 2022-03-11. Review status: criteria provided, single submitter. Criteria: ACMG Guidelines, 2015. Collection method: clinical testing. Allele origin: germline.

GeneDx
Classification: Likely benign. Last evaluated: 2021-01-12. Review status: criteria provided, single submitter. Criteria: GeneDx Variant Classification Process June 2021. Collection method: clinical testing. Allele origin: germline. Affected: yes.
Comment: This variant is associated with the following publications: (PMID: 28771489)

CeGaT Center for Human Genetics Tuebingen
Classification: Uncertain significance. Last evaluated: 2020-09-01. Review status: criteria provided, single submitter. Criteria: CeGaT Center For Human Genetics Tuebingen Variant Classification Criteria Version 2. Collection method: clinical testing. Allele origin: germline. Affected: yes. Observed: 2 variant alleles.

Illumina Laboratory Services, Illumina
Classification: Uncertain significance for Dilated cardiomyopathy 1G. Last evaluated: 2018-01-13. Review status: criteria provided, single submitter. Criteria: ICSL Variant Classification Criteria 13 December 2019. Collection method: clinical testing. Allele origin: germline.

Illumina Laboratory Services, Illumina
Classification: Benign for Tibial muscular dystrophy. Last evaluated: 2018-01-13. Review status: criteria provided, single submitter. Criteria: ICSL Variant Classification Criteria 13 December 2019. Collection method: clinical testing. Allele origin: germline.
Comment: This variant was observed in the ICSL laboratory as part of a predisposition screen in an ostensibly healthy population. It had not been previously curated by ICSL or reported in the Human Gene Mutation Database (HGMD: prior to June 1st, 2018), and was therefore a candidate for classification through an automated scoring system. Utilizing variant allele frequency, disease prevalence and penetrance estimates, and inheritance mode, an automated score was calculated to assess if this variant is too frequent to cause the disease. Based on the score and internal cut-off values, a variant classified as benign is not then subjected to further curation. The score for this variant resulted in a classification of benign for this disease.

Illumina Laboratory Services, Illumina
Classification: Uncertain significance for Early-onset myopathy with fatal cardiomyopathy. Last evaluated: 2018-01-13. Review status: criteria provided, single submitter. Criteria: ICSL Variant Classification Criteria 13 December 2019. Collection method: clinical testing. Allele origin: germline.

Illumina Laboratory Services, Illumina
Classification: Benign for Myopathy, myofibrillar, 9, with early respiratory failure. Last evaluated: 2018-01-13. Review status: criteria provided, single submitter. Criteria: ICSL Variant Classification Criteria 13 December 2019. Collection method: clinical testing. Allele origin: germline.
Comment: the same text as in the submission from Illumina Laboratory Services, Illumina above.

Illumina Laboratory Services, Illumina
Classification: Uncertain significance for Autosomal recessive limb-girdle muscular dystrophy type 2J. Last evaluated: 2018-01-13. Review status: criteria provided, single submitter. Criteria: ICSL Variant Classification Criteria 13 December 2019. Collection method: clinical testing. Allele origin: germline.

Labcorp Genetics (formerly Invitae), Labcorp
Classification: Uncertain significance for Dilated cardiomyopathy 1G; Autosomal recessive limb-girdle muscular dystrophy type 2J. Last evaluated: 2017-12-08. Review status: criteria provided, single submitter. Criteria: Invitae Variant Classification Sherloc (09022015). Collection method: clinical testing. Allele origin: germline.

Eurofins Ntd Llc (ga)
Classification: Uncertain significance. Last evaluated: 2015-10-08. Review status: criteria provided, single submitter. Criteria: EGL Classification Definitions 2015. Collection method: clinical testing. Allele origin: germline. Observed: 7 variant alleles, 7 heterozygotes.

Laboratory for Molecular Medicine, Mass General Brigham Personalized Medicine
Classification: Uncertain significance. Last evaluated: 2015-08-03. Review status: criteria provided, single submitter. Criteria: LMM Criteria. Collection method: clinical testing. Allele origin: germline. Observed: 1 variant allele.
Comment: proposed classification - variant undergoing re-assessment, contact laboratory

Ambry Genetics
Classification: Uncertain significance for Cardiovascular phenotype. Last evaluated: 2012-11-16. Review status: criteria provided, single submitter. Criteria: Ambry Autosomal Dominant and X-Linked criteria (10/2015). Collection method: clinical testing. Allele origin: germline. Observed: 1 variant allele.
Comment: There is insufficient or conflicting evidence for classification of this alteration.

Clinical Genetics DNA and cytogenetics Diagnostics Lab, Erasmus MC, Erasmus Medical Center
Classification: Likely benign. Review status: no assertion criteria provided. Collection method: clinical testing. Allele origin: germline. Affected: yes. Study: VKGL Data-share Consensus. Not counted in ClinVar's aggregate classification.

Clinical Genetics, Academic Medical Center
Classification: Likely benign. Review status: no assertion criteria provided. Collection method: clinical testing. Allele origin: germline. Affected: yes. Study: VKGL Data-share Consensus. Not counted in ClinVar's aggregate classification.

Diagnostic Laboratory, Department of Genetics, University Medical Center Groningen
Classification: Likely benign. Review status: no assertion criteria provided. Collection method: clinical testing. Allele origin: germline. Affected: yes. Study: VKGL Data-share Consensus. Not counted in ClinVar's aggregate classification.

Literature cited by the submitters: PubMed 26516846 (cited by Women's Health and Genetics/Laboratory Corporation of America, LabCorp); PubMed 26383259 (cited by Women's Health and Genetics/Laboratory Corporation of America, LabCorp); PubMed 29961767 (cited by Women's Health and Genetics/Laboratory Corporation of America, LabCorp); PubMed 35207729 (cited by Women's Health and Genetics/Laboratory Corporation of America, LabCorp); PubMed 34731013 (cited by Women's Health and Genetics/Laboratory Corporation of America, LabCorp).